The following is an entry in ClinVar:

ClinVar aggregate classification (germline): Benign/Likely benign. Review status: criteria provided, multiple submitters, no conflicts (2 of 4 stars). 8 submissions from 8 submitters: Benign (3); Likely benign (4). 1 of the submissions does not count toward it. Last evaluated 2025-11-25.

Conditions:
TJP2-related disorder. Also called: TJP2-related condition.

Allele frequency attached by ClinVar (database versions not stated): gnomAD exomes 0.00016 and 0.00036; ExAC 0.00037; ESP Exome Variant Server 0.00123; 1000 Genomes Project 0.00140; 1000 Genomes Project 30x 0.00141; gnomAD 0.00153 and 0.00157; TOPMed 0.00168.

Submissions (8):

Labcorp Genetics (formerly Invitae), Labcorp
Classification: Benign. Last evaluated: 2025-11-25. Review status: criteria provided, single submitter. Criteria: Invitae Variant Classification Sherloc (09022015). Collection method: clinical testing. Allele origin: germline.

Mayo Clinic Laboratories, Mayo Clinic
Classification: Likely benign. Last evaluated: 2025-08-26. Review status: criteria provided, single submitter. Criteria: ACMG Guidelines, 2015. Collection method: clinical testing. Allele origin: germline. Observed: 2 variant alleles.
Comment: BS1, BP4, BP7

Blueprint Genetics
Classification: Likely benign. Last evaluated: 2024-09-23. Review status: criteria provided, single submitter. Criteria: ACMG Guidelines, 2015. Collection method: clinical testing. Allele origin: germline.

GeneDx
Classification: Likely benign. Last evaluated: 2021-01-18. Review status: criteria provided, single submitter. Criteria: GeneDx Variant Classification Process June 2021. Collection method: clinical testing. Allele origin: germline. Affected: yes.

Eurofins Ntd Llc (ga)
Classification: Benign. Last evaluated: 2016-04-04. Review status: criteria provided, single submitter. Criteria: EGL Classification Definitions 2015. Collection method: clinical testing. Allele origin: germline. Observed: 1 variant allele, 1 heterozygote.

Laboratory for Molecular Medicine, Mass General Brigham Personalized Medicine
Classification: Benign. Last evaluated: 2012-05-07. Review status: criteria provided, single submitter. Criteria: LMM Criteria. Collection method: clinical testing. Allele origin: germline. Observed: 1 variant allele.
Comment: "His944His in Exon 21 of TJP2: This variant is not expected to have clinical sig nificance because it does not alter an amino acid residue, is not located within the splice consensus sequence, and has been identified in 0.4% (14/3738) of Afr ican American chromosomes from a broad population by the NHLBI Exome Sequencing Project (dbSNP rs61753629)."

Breakthrough Genomics
Classification: Likely benign. Review status: criteria provided, single submitter. Criteria: ACMG Guidelines, 2015. Collection method: not provided. Allele origin: germline. Inheritance: Autosomal recessive inheritance. Affected: yes.

PreventionGenetics, part of Exact Sciences
Classification: Likely benign for TJP2-related condition. Last evaluated: 2020-02-20. Review status: no assertion criteria provided. Collection method: clinical testing. Allele origin: germline. Not counted in ClinVar's aggregate classification.
Comment: This variant is classified as likely benign based on ACMG/AMP sequence variant interpretation guidelines (Richards et al. 2015 PMID: 25741868, with internal and published modifications).

NM_004817.4(TJP2):c.3342T>C (p.His1114=)

Gene: TJP2 (tight junction protein 2; plus strand). Cytogenetic location: 9q21.11.
Variant type: single nucleotide variant.
Coding change: c.3342T>C on transcript NM_004817.4 (MANE Select); coding-DNA position 3342, T replaced by C.
Protein change: p.His1114=; no amino-acid change (histidine 1114 retained).
Molecular consequence: synonymous variant.
Genome position (GRCh38, 1-based): chr9:69,252,835, T>C. VCF-style: chr9-69252835-T-C. GRCh37 (hg19) VCF-style: chr9-71867751-T-C.
Other names: p.His1114=; c.2832T>C, p.His944= (NM_001170414.2); c.3243T>C, p.His1081= (NM_001170415.1); c.3435T>C, p.His1145= (NM_001170416.2); c.3267T>C, p.His1089= (NM_001369870.1); c.3273T>C, p.His1091= (NM_001369871.1); c.3231T>C, p.His1077= (NM_001369872.1); c.3018T>C, p.His1006= (NM_001369873.1); and 3 more.
Identifiers: ClinVar variation 165425 (VCV000165425.23), dbSNP rs61753629, ClinGen allele CA178196.